The following is an entry in ClinVar:

ClinVar aggregate classification (germline): Uncertain significance (1 of 4 stars; one submission).

Conditions:
Early-infantile DEE. Also called: Early infantile epileptic encephalopathy; Early infantile epileptic encephalopathy with suppression bursts; Ohtahara syndrome. Identifiers: Orphanet 1934, MedGen C0393706, MONDO:0800491.

Submission:

Labcorp Genetics (formerly Invitae), Labcorp
Classification: Uncertain significance for Early-infantile DEE. Last evaluated: 2022-03-04. Review status: criteria provided, single submitter. Criteria: Invitae Variant Classification Sherloc (09022015). Collection method: clinical testing. Allele origin: germline.
Comment: This sequence change replaces isoleucine, which is neutral and non-polar, with valine, which is neutral and non-polar, at codon 278 of the HCN1 protein (p.Ile278Val). This variant is not present in population databases (gnomAD no frequency). This variant has not been reported in the literature in individuals affected with HCN1-related conditions. Algorithms developed to predict the effect of missense changes on protein structure and function are either unavailable or do not agree on the potential impact of this missense change (SIFT: "Deleterious"; PolyPhen-2: "Probably Damaging"; Align-GVGD: "Class C0"). In summary, the available evidence is currently insufficient to determine the role of this variant in disease. Therefore, it has been classified as a Variant of Uncertain Significance.

NM_021072.4(HCN1):c.832A>G (p.Ile278Val)

Gene: HCN1 (hyperpolarization activated cyclic nucleotide gated potassium channel 1; minus strand). Cytogenetic location: 5p12.
Variant type: single nucleotide variant.
Coding change: c.832A>G on transcript NM_021072.4 (MANE Select); coding-DNA position 832, A replaced by G.
Protein change: p.Ile278Val; replaces isoleucine 278 with valine.
Molecular consequence: missense variant.
Genome position (GRCh38, 1-based): chr5:45,645,202, T>C on the plus strand (A>G on the coding strand, the complement: HCN1 is on the minus strand). VCF-style: chr5-45645202-T-C. GRCh37 (hg19) VCF-style: chr5-45645304-T-C.
Other names: short protein forms I278V.
Identifiers: ClinVar variation 2105764 (VCV002105764.4), dbSNP rs2478542852, ClinGen allele CA359707018.